The following is an entry in ClinVar:

ClinVar aggregate classification (germline): Benign. Review status: criteria provided, multiple submitters, no conflicts (2 of 4 stars). 5 submissions from 2 submitters: Benign (5). Last evaluated 2018-01-12.

Conditions:
Progressive external ophthalmoplegia with mitochondrial DNA deletions, autosomal dominant 3. Also called: PROGRESSIVE EXTERNAL OPHTHALMOPLEGIA, AUTOSOMAL DOMINANT 3. Identifiers: MedGen C1836439, MONDO:0012241, OMIM 609286.
Sensory ataxic neuropathy, dysarthria, and ophthalmoparesis (SANDO). Also called: SENSORY ATAXIC NEUROPATHY WITH MITOCHONDRIAL DNA DELETIONS, AUTOSOMAL RECESSIVE; Ataxia Neuropathy Spectrum (ANS); Sensory ataxic neuropathy-dysarthria-ophthalmoparesis syndrome; Epilepsy, progressive myoclonic, type 5. Identifiers: Orphanet 70595, MedGen C1843851, MONDO:0011835, OMIM 607459.
Infantile onset spinocerebellar ataxia (MTDPS7). Also called: OHAHA SYNDROME; SPINOCEREBELLAR ATAXIA, INFANTILE, WITH SENSORY NEUROPATHY; Mitochondrial DNA depletion syndrome 7 (hepatocerebral type); OPHTHALMOPLEGIA, HYPOTONIA, ATAXIA, HYPOACUSIS, AND ATHETOSIS. Identifiers: Orphanet 1186, MedGen C1849096, MONDO:0010060, OMIM 271245.
Autosomal recessive cerebellar ataxia. Also called: Spinocerebellar ataxia, autosomal recessive; Spinocerebellar Ataxia, Recessive. Identifiers: Orphanet 1172, MedGen C5575375, MONDO:0015244.

Allele frequency attached by ClinVar (database versions not stated): gnomAD exomes 0.20833; gnomAD 0.28823 and 0.29073; TOPMed 0.30995; 1000 Genomes Project 30x 0.37133; 1000 Genomes Project 0.37480.

Submissions (5):

Illumina Laboratory Services, Illumina
Classification: Benign for Sensory ataxic neuropathy-dysarthria-ophthalmoparesis syndrome. Last evaluated: 2018-01-12. Review status: criteria provided, single submitter. Criteria: ICSL Variant Classification Criteria 13 December 2019. Collection method: clinical testing. Allele origin: germline.
Comment: This variant was observed in the ICSL laboratory as part of a predisposition screen in an ostensibly healthy population. It had not been previously curated by ICSL or reported in the Human Gene Mutation Database (HGMD: prior to June 1st, 2018), and was therefore a candidate for classification through an automated scoring system. Utilizing variant allele frequency, disease prevalence and penetrance estimates, and inheritance mode, an automated score was calculated to assess if this variant is too frequent to cause the disease. Based on the score and internal cut-off values, a variant classified as benign is not then subjected to further curation. The score for this variant resulted in a classification of benign for this disease.

Illumina Laboratory Services, Illumina
Classification: Benign for Progressive external ophthalmoplegia with mitochondrial DNA deletions, autosomal dominant 3. Last evaluated: 2018-01-12. Review status: criteria provided, single submitter. Criteria: ICSL Variant Classification Criteria 13 December 2019. Collection method: clinical testing. Allele origin: germline.
Comment: the same text as in the submission from Illumina Laboratory Services, Illumina above.

Illumina Laboratory Services, Illumina
Classification: Benign for Infantile onset spinocerebellar ataxia. Last evaluated: 2018-01-12. Review status: criteria provided, single submitter. Criteria: ICSL Variant Classification Criteria 13 December 2019. Collection method: clinical testing. Allele origin: germline.
Comment: the same text as in the submission from Illumina Laboratory Services, Illumina above.

Illumina Laboratory Services, Illumina
Classification: Benign for Autosomal recessive cerebellar ataxia. Last evaluated: 2018-01-12. Review status: criteria provided, single submitter. Criteria: ICSL Variant Classification Criteria 13 December 2019. Collection method: clinical testing. Allele origin: germline.
Comment: the same text as in the submission from Illumina Laboratory Services, Illumina above.

Breakthrough Genomics
Classification: Benign. Review status: criteria provided, single submitter. Criteria: ACMG Guidelines, 2015. Collection method: not provided. Allele origin: germline. Inheritance: Autosomal recessive inheritance. Affected: yes.

NM_021830.5(TWNK):c.*766A>T

Gene: TWNK (twinkle mtDNA helicase; plus strand). Cytogenetic location: 10q24.31.
Variant type: single nucleotide variant.
Coding change: c.*766A>T on transcript NM_021830.5 (MANE Select); 766 bases downstream of the stop codon, A replaced by T.
Molecular consequence: 3 prime UTR variant. On other transcripts: non-coding transcript variant (5).
Genome position (GRCh38, 1-based): chr10:100,994,276, A>T. VCF-style: chr10-100994276-A-T. GRCh37 (hg19) VCF-style: chr10-102754033-A-T.
Other names: c.*1116A>T (NM_001163812.2, NM_001163814.2); c.*766A>T (NM_001163813.2, NM_001368275.1).
Identifiers: ClinVar variation 298520 (VCV000298520.6), dbSNP rs3740488, ClinGen allele CA10627887.
Genomic context (GRCh38, chr10:100,994,276, plus strand): 5'-TATCAGGGCCTCACTGGTGGGAGCTGCCTCGGGCTGGGTTGCTTGGTCATAGAGCCATAG[A>T]AGGAAGCTGTCAGCCCGGAGTGCCTGCCACCTAGACACTGATGCCATTGTGTGCTGCCTC-3'